The following is an entry in ClinVar:

NM_000384.3(APOB):c.1661C>G (p.Pro554Arg)

Gene: APOB (apolipoprotein B; minus strand). Cytogenetic location: 2p24.1.
Variant type: single nucleotide variant.
Coding change: c.1661C>G on transcript NM_000384.3 (MANE Select); coding-DNA position 1661, C replaced by G.
Protein change: p.Pro554Arg; replaces proline 554 with arginine.
Molecular consequence: missense variant.
Genome position (GRCh38, 1-based): chr2:21,028,495, G>C on the plus strand (C>G on the coding strand, the complement: APOB is on the minus strand). VCF-style: chr2-21028495-G-C. GRCh37 (hg19) VCF-style: chr2-21251367-G-C.
Other names: c.1661C>G (NM_000384.2); short protein forms P554R.
Identifiers: ClinVar variation 2937978 (VCV002937978.4), dbSNP rs12714214, ClinGen allele CA054331.

ClinVar aggregate classification (germline): Conflicting classifications of pathogenicity. Review status: criteria provided, conflicting classifications (1 of 4 stars). 2 submissions from 2 submitters: Uncertain significance (1); Likely benign (1). Last evaluated 2024-06-18.

Conditions:
Cardiovascular phenotype. Identifiers: MedGen CN230736.
Familial hypobetalipoproteinemia 1. Also called: APOB-Related Familial Hypobetalipoproteinemia; Hypobetalipoproteinemia, normotriglyceridemic; Acanthocytosis with hypobetalipoproteinemia. Identifiers: MedGen C4551990, MONDO:0014252, OMIM 615558.
Hypercholesterolemia, autosomal dominant, type B (FHCL2). Also called: Familial Hypercholesterolemia Type B; APOLIPOPROTEIN B-100, FAMILIAL DEFECTIVE; APOLIPOPROTEIN B-100, FAMILIAL LIGAND-DEFECTIVE; HYPERCHOLESTEROLEMIA, FAMILIAL, DUE TO LIGAND-DEFECTIVE APOLIPOPROTEIN B; Hyperlipoproteinemia Type IIb; Familial hypercholesterolemia 2. Identifiers: MedGen C1704417, MONDO:0007751, OMIM 144010.

gnomAD v4.1: 8 of 1,613,588 alleles (0.0005%); highest among the groups gnomAD compares: African/African-American, 0.008%; no homozygotes.

Submissions (2):

Ambry Genetics
Classification: Uncertain significance for Cardiovascular phenotype. Last evaluated: 2024-06-18. Review status: criteria provided, single submitter. Criteria: Ambry Variant Classification Scheme 2023. Collection method: clinical testing. Allele origin: germline.
Comment: The p.P554R variant (also known as c.1661C>G), located in coding exon 13 of the APOB gene, results from a C to G substitution at nucleotide position 1661. The proline at codon 554 is replaced by arginine, an amino acid with dissimilar properties. This variant has been reported in a general population cohort (Zhou Y et al. J Lipid Res, 2018 Oct;59:1987-2000). This amino acid position is highly conserved in available vertebrate species. In addition, this alteration is predicted to be deleterious by in silico analysis. Based on the available evidence, the clinical significance of this variant remains unclear.

Labcorp Genetics (formerly Invitae), Labcorp
Classification: Likely benign for Familial hypobetalipoproteinemia 1; Hypercholesterolemia, autosomal dominant, type B. Last evaluated: 2022-12-28. Review status: criteria provided, single submitter. Criteria: Invitae Variant Classification Sherloc (09022015). Collection method: clinical testing. Allele origin: germline.

Literature cited by the submitters: PubMed 30076208 (cited by Ambry Genetics).